The following is an entry in ClinVar:

NM_201253.3(CRB1):c.2538A>T (p.Gly846=)

Gene: CRB1 (crumbs cell polarity complex component 1; plus strand). Cytogenetic location: 1q31.3.
Variant type: single nucleotide variant.
Coding change: c.2538A>T on transcript NM_201253.3 (MANE Select); coding-DNA position 2538, A replaced by T.
Protein change: p.Gly846=; no amino-acid change (glycine 846 retained).
Molecular consequence: synonymous variant. On other transcripts: non-coding transcript variant (2), intron variant (1).
Genome position (GRCh38, 1-based): chr1:197,427,863, A>T. VCF-style: chr1-197427863-A-T. GRCh37 (hg19) VCF-style: chr1-197396993-A-T.
Other names: c.2202A>T, p.Gly734= (NM_001193640.2); c.2331A>T, p.Gly777= (NM_001257965.2); c.2128+5907A>T (NM_001257966.2).
Identifiers: ClinVar variation 750591 (VCV000750591.16), dbSNP rs139040133, ClinGen allele CA1312136.

ClinVar aggregate classification (germline): Benign/Likely benign. Review status: criteria provided, multiple submitters, no conflicts (2 of 4 stars). 4 submissions from 4 submitters: Benign (1); Likely benign (2). 1 of the submissions does not count toward it. Last evaluated 2026-02-01.

Conditions:
Retinitis pigmentosa 12 (RP12). Also called: RP WITH OR WITHOUT PRESERVED PARAARTERIOLE RETINAL PIGMENT EPITHELIUM; RETINITIS PIGMENTOSA WITH OR WITHOUT PARAARTERIOLAR PRESERVATION OF RETINAL PIGMENT EPITHELIUM; RP WITH OR WITHOUT PPRPE. Identifiers: Orphanet 791, MedGen C1838647, MONDO:0010818, OMIM 600105.
Leber congenital amaurosis 8 (LCA8). Identifiers: Orphanet 65, MedGen C3151202, MONDO:0013453, OMIM 613835.
Leber congenital amaurosis (LCA). Also called: Leber's amaurosis. Identifiers: Orphanet 65, MedGen C0339527, MeSH D057130, MONDO:0018998.

Allele frequency attached by ClinVar (database versions not stated): TOPMed 0.00010; ExAC 0.00015; gnomAD 0.00015; gnomAD exomes 0.00018 and 0.00022; ESP Exome Variant Server 0.00023.
gnomAD v4.1: 342 of 1,613,926 alleles (0.021%); highest among the groups gnomAD compares: Admixed American, 0.047%; 1 homozygote.

Submissions (4):

CeGaT Center for Human Genetics Tuebingen
Classification: Likely benign. Last evaluated: 2026-02-01. Review status: criteria provided, single submitter. Criteria: CeGaT Center For Human Genetics Tuebingen Variant Classification Criteria Version 2. Collection method: clinical testing. Allele origin: germline. Affected: yes. Observed: 1 variant allele.
Comment: CRB1: BP4, BP7

Labcorp Genetics (formerly Invitae), Labcorp
Classification: Benign for Leber congenital amaurosis 8; Retinitis pigmentosa 12. Last evaluated: 2026-01-19. Review status: criteria provided, single submitter. Criteria: Invitae Variant Classification Sherloc (09022015). Collection method: clinical testing. Allele origin: germline.

Blueprint Genetics
Classification: Likely benign. Last evaluated: 2024-10-15. Review status: criteria provided, single submitter. Criteria: ACMG Guidelines, 2015. Collection method: clinical testing. Allele origin: germline.

Natera, Inc.
Classification: Uncertain significance for Leber congenital amaurosis. Last evaluated: 2020-02-13. Review status: no assertion criteria provided. Collection method: clinical testing. Allele origin: germline. Not counted in ClinVar's aggregate classification.